The following is an entry in ClinVar:

ClinVar aggregate classification (germline): Uncertain significance. Review status: criteria provided, multiple submitters, no conflicts (2 of 4 stars). 2 submissions from 2 submitters: Uncertain significance (2). Last evaluated 2026-09-02.

Conditions:
Hereditary cancer-predisposing syndrome. Also called: Tumor predisposition; Hereditary Cancer Syndrome; Hereditary neoplastic syndrome; Neoplastic Syndromes, Hereditary. Identifiers: Orphanet 140162, MedGen C0027672, MeSH D009386, MONDO:0015356.
Tuberous sclerosis 2 (TSC2). Identifiers: Orphanet 805, MedGen C1860707, MONDO:0013199, OMIM 613254.

Submissions (2):

Ambry Genetics
Classification: Uncertain significance for Hereditary cancer-predisposing syndrome. Last evaluated: 2026-09-02. Review status: criteria provided, single submitter. Criteria: Ambry Variant Classification Scheme 2023. Collection method: clinical testing. Allele origin: germline.

Labcorp Genetics (formerly Invitae), Labcorp
Classification: Uncertain significance for Tuberous sclerosis 2. Last evaluated: 2022-02-08. Review status: criteria provided, single submitter. Criteria: Invitae Variant Classification Sherloc (09022015). Collection method: clinical testing. Allele origin: germline.
Comment: In summary, the available evidence is currently insufficient to determine the role of this variant in disease. Therefore, it has been classified as a Variant of Uncertain Significance. Advanced modeling of protein sequence and biophysical properties (such as structural, functional, and spatial information, amino acid conservation, physicochemical variation, residue mobility, and thermodynamic stability) performed at Invitae indicates that this missense variant is not expected to disrupt TSC2 protein function. ClinVar contains an entry for this variant (Variation ID: 1058628). This variant has not been reported in the literature in individuals affected with TSC2-related conditions. This variant is not present in population databases (gnomAD no frequency). This sequence change replaces isoleucine, which is neutral and non-polar, with methionine, which is neutral and non-polar, at codon 530 of the TSC2 protein (p.Ile530Met).

NM_000548.5(TSC2):c.1590C>G (p.Ile530Met)

Gene: TSC2 (TSC complex subunit 2; plus strand). Cytogenetic location: 16p13.3.
Variant type: single nucleotide variant.
Coding change: c.1590C>G on transcript NM_000548.5 (MANE Select); coding-DNA position 1590, C replaced by G.
Protein change: p.Ile530Met; replaces isoleucine 530 with methionine.
Molecular consequence: missense variant.
Genome position (GRCh38, 1-based): chr16:2,064,418, C>G. VCF-style: chr16-2064418-C-G. GRCh37 (hg19) VCF-style: chr16-2114419-C-G.
Other names: c.1590C>G, p.Ile530Met (NM_001077183.3, NM_001114382.3, NM_001363528.2 and 3 more transcripts); c.1479C>G, p.Ile493Met (NM_001318827.2); c.1443C>G, p.Ile481Met (NM_001318829.2); c.990C>G, p.Ile330Met (NM_001318831.2); c.1623C>G, p.Ile541Met (NM_001318832.2); c.1590C>G (NM_000548.3); short protein forms I330M, I481M, I493M, I530M, I541M.
Identifiers: ClinVar variation 1058628 (VCV001058628.11), dbSNP rs2151191998, ClinGen allele CA394326751.